The following is an entry in ClinVar:

ClinVar aggregate classification (germline): Uncertain significance (1 of 4 stars; one submission).

Conditions:
Spastic paraplegia. Identifiers: MedGen C0037772, HP:0001258.

Allele frequency attached by ClinVar (database versions not stated): TOPMed below 0.00001; gnomAD exomes 0.00004.
gnomAD v4.1: 8 of 1,614,232 alleles (0.0005%); highest among the groups gnomAD compares: Admixed American, 0.012%; no homozygotes.

Submission:

Labcorp Genetics (formerly Invitae), Labcorp
Classification: Uncertain significance for Spastic paraplegia. Last evaluated: 2025-01-15. Review status: criteria provided, single submitter. Criteria: Invitae Variant Classification Sherloc (09022015). Collection method: clinical testing. Allele origin: germline.
Comment: This sequence change replaces methionine, which is neutral and non-polar, with threonine, which is neutral and polar, at codon 504 of the ZFYVE26 protein (p.Met504Thr). This variant is present in population databases (rs752693745, gnomAD 0.02%). This variant has not been reported in the literature in individuals affected with ZFYVE26-related conditions. ClinVar contains an entry for this variant (Variation ID: 943178). An algorithm developed to predict the effect of missense changes on protein structure and function (PolyPhen-2) suggests that this variant is likely to be tolerated. In summary, the available evidence is currently insufficient to determine the role of this variant in disease. Therefore, it has been classified as a Variant of Uncertain Significance.

NM_015346.4(ZFYVE26):c.1511T>C (p.Met504Thr)

Gene: ZFYVE26 (zinc finger FYVE-type containing 26; minus strand). Cytogenetic location: 14q24.1.
Variant type: single nucleotide variant.
Coding change: c.1511T>C on transcript NM_015346.4 (MANE Select); coding-DNA position 1511, T replaced by C.
Protein change: p.Met504Thr; replaces methionine 504 with threonine.
Molecular consequence: missense variant.
Genome position (GRCh38, 1-based): chr14:67,802,207, A>G on the plus strand (T>C on the coding strand, the complement: ZFYVE26 is on the minus strand). VCF-style: chr14-67802207-A-G. GRCh37 (hg19) VCF-style: chr14-68268924-A-G.
Other names: short protein forms M504T.
Identifiers: ClinVar variation 943178 (VCV000943178.8), dbSNP rs752693745, ClinGen allele CA7240500.